The following is an entry in ClinVar:

ClinVar aggregate classification (germline): Uncertain significance. Review status: criteria provided, multiple submitters, no conflicts (2 of 4 stars). 2 submissions from 2 submitters: Uncertain significance (2). Last evaluated 2022-10-26.

gnomAD v4.1: 8 of 1,596,668 alleles (0.0005%); highest among the groups gnomAD compares: East Asian, 0.018%; no homozygotes.

Submissions (2):

Ambry Genetics
Classification: Uncertain significance. Last evaluated: 2022-10-26. Review status: criteria provided, single submitter. Criteria: Ambry Variant Classification Scheme 2023. Collection method: clinical testing. Allele origin: germline.

Labcorp Genetics (formerly Invitae), Labcorp
Classification: Uncertain significance. Last evaluated: 2022-08-12. Review status: criteria provided, single submitter. Criteria: Invitae Variant Classification Sherloc (09022015). Collection method: clinical testing. Allele origin: germline.
Comment: In summary, the available evidence is currently insufficient to determine the role of this variant in disease. Therefore, it has been classified as a Variant of Uncertain Significance. Algorithms developed to predict the effect of missense changes on protein structure and function are either unavailable or do not agree on the potential impact of this missense change (SIFT: "Not Available"; PolyPhen-2: "Benign"; Align-GVGD: "Not Available"). This variant has not been reported in the literature in individuals affected with ADD3-related conditions. This variant is present in population databases (rs769661014, gnomAD 0.03%). This sequence change replaces glutamine, which is neutral and polar, with histidine, which is basic and polar, at codon 63 of the ADD3 protein (p.Gln63His).

NM_016824.5(ADD3):c.189A>C (p.Gln63His)

Gene: ADD3 (adducin 3; plus strand). Cytogenetic location: 10q25.2.
Variant type: single nucleotide variant.
Coding change: c.189A>C on transcript NM_016824.5 (MANE Select); coding-DNA position 189, A replaced by C.
Protein change: p.Gln63His; replaces glutamine 63 with histidine.
Molecular consequence: missense variant. On other transcripts: 5 prime UTR variant (1).
Genome position (GRCh38, 1-based): chr10:110,100,842, A>C. VCF-style: chr10-110100842-A-C. GRCh37 (hg19) VCF-style: chr10-111860600-A-C.
Other names: c.189A>C, p.Gln63His (NM_001121.4, NM_001320591.2, NM_001320592.2 and 2 more transcripts); c.-100A>C (NM_001320594.2); short protein forms Q63H.
Identifiers: ClinVar variation 1907415 (VCV001907415.6), dbSNP rs769661014, ClinGen allele CA5686272.
Genomic context (GRCh38, chr10:110,100,842, plus strand): 5'-TGATCTACGACAAGACTTCAACATGATGGAGCAGAGGAAACGAGTTACTCAGATCCTGCA[A>C]AGTCCTGTGAGTTGAATTAGAAGGCTGTAATTTTTCTCCCTCTTTGGAAATGTTAGTATA-3'
Protein context (NP_058432.1, residues 53-73): EQRKRVTQIL[Gln63His]SPAFREDLEC